The following is an entry in ClinVar:

NM_000388.4(CASR):c.2148dup (p.Lys717fs)

Gene: CASR (calcium sensing receptor; plus strand). Cytogenetic location: 3q21.1.
Variant type: Duplication.
Coding change: c.2148dup on transcript NM_000388.4 (MANE Select); coding-DNA position 2148, one base duplicated (C; older notation c.2148dupC).
Protein change: p.Lys717fs; shifts the reading frame from lysine 717.
Molecular consequence: frameshift variant.
Genome position (GRCh38, 1-based): chr3:122,284,102, C duplicated. VCF-style (leftmost placement, unchanged base first): chr3-122284101-G-GC. GRCh37 (hg19) VCF-style: chr3-122002948-G-GC.
Other names: c.2178dup, p.Lys727fs (NM_001178065.2); short protein forms K717fs, K727fs.
Identifiers: ClinVar variation 1442327 (VCV001442327.6), dbSNP rs2107650029, ClinGen allele CA2573136460.

ClinVar aggregate classification (germline): Pathogenic (1 of 4 stars; one submission).

Conditions:
Autosomal dominant hypocalcemia 1 (HYPOC1). Also called: HYPOCALCEMIA, FAMILIAL. Identifiers: MedGen C3715128, MONDO:0011013, OMIM 601198.
Familial hypocalciuric hypercalcemia (FHH). Also called: Familial benign hypercalcemia. Identifiers: Orphanet 405, MedGen C1809471, MONDO:0018458.

Submission:

Labcorp Genetics (formerly Invitae), Labcorp
Classification: Pathogenic for Familial hypocalciuric hypercalcemia; Autosomal dominant hypocalcemia 1. Last evaluated: 2021-06-29. Review status: criteria provided, single submitter. Criteria: Invitae Variant Classification Sherloc (09022015). Collection method: clinical testing. Allele origin: germline.
Comment: This sequence change creates a premature translational stop signal (p.Lys717Glnfs*43) in the CASR gene. While this is not anticipated to result in nonsense mediated decay, it is expected to disrupt the last 362 amino acid(s) of the CASR protein. This variant is not present in population databases (ExAC no frequency). This variant has not been reported in the literature in individuals affected with CASR-related conditions. This variant disrupts a region of the CASR protein in which other variant(s) (p.Lys882fs) have been determined to be pathogenic (PMID: 7717399, 9109436, 9217223, 20374733). This suggests that this is a clinically significant region of the protein, and that variants that disrupt it are likely to be disease-causing. For these reasons, this variant has been classified as Pathogenic.

Literature cited by the submitters: PubMed 7717399; PubMed 9109436; PubMed 9217223; PubMed 20374733.